The following is an entry in ClinVar:

NM_000426.4(LAMA2):c.4296A>G (p.Glu1432=)

Gene: LAMA2 (laminin subunit alpha 2; plus strand). Cytogenetic location: 6q22.33.
Variant type: single nucleotide variant.
Coding change: c.4296A>G on transcript NM_000426.4 (MANE Select); coding-DNA position 4296, A replaced by G.
Protein change: p.Glu1432=; no amino-acid change (glutamic acid 1432 retained).
Molecular consequence: synonymous variant.
Genome position (GRCh38, 1-based): chr6:129,328,397, A>G. VCF-style: chr6-129328397-A-G. GRCh37 (hg19) VCF-style: chr6-129649542-A-G.
Other names: c.4296A>G, p.Glu1432= (NM_001079823.2).
Identifiers: ClinVar variation 514840 (VCV000514840.6), dbSNP rs1423553661, ClinGen allele CA451924144.

ClinVar aggregate classification (germline): Likely benign. Review status: criteria provided, multiple submitters, no conflicts (2 of 4 stars). 2 submissions from 2 submitters: Likely benign (2). Last evaluated 2023-04-20.

Conditions:
LAMA2-related muscular dystrophy (LAMA2-RD). Also called: Laminin alpha 2-related dystrophy. Identifiers: MedGen C5679788, MONDO:0100228.

Allele frequency attached by ClinVar (database versions not stated): TOPMed below 0.00001; gnomAD 0.00001; gnomAD exomes 0.00001.
gnomAD v4.1: 10 of 1,614,042 alleles (0.00062%); highest among the groups gnomAD compares: Non-Finnish European, 0.00085%; no homozygotes.

Submissions (2):

Labcorp Genetics (formerly Invitae), Labcorp
Classification: Likely benign for LAMA2-related muscular dystrophy. Last evaluated: 2023-04-20. Review status: criteria provided, single submitter. Criteria: Invitae Variant Classification Sherloc (09022015). Collection method: clinical testing. Allele origin: germline.

GeneDx
Classification: Likely benign. Last evaluated: 2018-01-22. Review status: criteria provided, single submitter. Criteria: GeneDx Variant Classification (06012015). Collection method: clinical testing. Allele origin: germline. Affected: yes.
Comment: This variant is considered likely benign or benign based on one or more of the following criteria: it is a conservative change, it occurs at a poorly conserved position in the protein, it is predicted to be benign by multiple in silico algorithms, and/or has population frequency not consistent with disease.